The following is an entry in ClinVar:

NM_001358235.2(DCHS2):c.6093T>C (p.Val2031=)

Genes: DCHS2 (dachsous cadherin-related 2; minus strand), DCHS2-AS1 (DCHS2 antisense RNA 1; plus strand). Cytogenetic location: 4q31.3.
Variant type: single nucleotide variant.
Coding change: c.6093T>C on transcript NM_001358235.2 (MANE Select); coding-DNA position 6093, T replaced by C.
Protein change: p.Val2031=; no amino-acid change (valine 2031 retained).
Molecular consequence: synonymous variant.
Genome position (GRCh38, 1-based): chr4:154,298,221, A>G on the plus strand (T>C on the coding strand, the complement: DCHS2 is on the minus strand). VCF-style: chr4-154298221-A-G. GRCh37 (hg19) VCF-style: chr4-155219373-A-G.
Identifiers: ClinVar variation 3055560 (VCV003055560.2), dbSNP rs17031391, ClinGen allele CA3112508.
Genomic context (GRCh38, chr4:154,298,221, plus strand): 5'-CGACTCGGGGGAAAGAAACACATCAAAAGGGTTCTGTTCCAAAACTGGATCATTGTCATT[A>G]ACATCAGTGACATATACTTTTATAATTACAGTGGTGCTTCGTGAACCCTGGATGCTACAG-3'
Protein context (NP_001345164.1, residues 2021-2041): TVIIKVYVTD[Val2031=]NDNDPVLEQN

ClinVar aggregate classification (germline): Benign (0 of 4 stars; one submission).

Conditions:
DCHS2-related disorder. Also called: DCHS2-related condition.

Allele frequency attached by ClinVar (database versions not stated): gnomAD exomes 0.02265; ExAC 0.03411; gnomAD 0.07655; 1000 Genomes Project 0.08087; ESP Exome Variant Server 0.08404; TOPMed 0.08573; 1000 Genomes Project 30x 0.08713.
gnomAD v4.1: 45,266 of 1,614,060 alleles (2.8%); highest among the groups gnomAD compares: African/African-American, 23%; 2,327 homozygotes.

Submission:

PreventionGenetics, part of Exact Sciences
Classification: Benign for DCHS2-related condition. Last evaluated: 2019-11-26. Review status: no assertion criteria provided. Collection method: clinical testing. Allele origin: germline.
Comment: This variant is classified as benign based on ACMG/AMP sequence variant interpretation guidelines (Richards et al. 2015 PMID: 25741868, with internal and published modifications).